The following is an entry in ClinVar:

ClinVar aggregate classification (germline): Uncertain significance (1 of 4 stars; one submission).

Conditions:
Ethylmalonic encephalopathy (EE). Also called: Syndrome of encephalopathy, petechiae, and ethylmalonic aciduria; EPEMA syndrome; Encephalopathy, petechiae, and ethylmalonic aciduria. Identifiers: Orphanet 51188, MedGen C1865349, MONDO:0011229, OMIM 602473. Disease mechanism: loss of function.

Submission:

Labcorp Genetics (formerly Invitae), Labcorp
Classification: Uncertain significance for Ethylmalonic encephalopathy. Last evaluated: 2025-03-17. Review status: criteria provided, single submitter. Criteria: Invitae Variant Classification Sherloc (09022015). Collection method: clinical testing. Allele origin: germline.
Comment: This sequence change falls in intron 6 of the ETHE1 gene. It does not directly change the encoded amino acid sequence of the ETHE1 protein. It affects a nucleotide within the consensus splice site. This variant is not present in population databases (gnomAD no frequency). This variant has not been reported in the literature in individuals affected with ETHE1-related conditions. ClinVar contains an entry for this variant (Variation ID: 581157). Variants that disrupt the consensus splice site are a relatively common cause of aberrant splicing (PMID: 17576681, 9536098). Algorithms developed to predict the effect of sequence changes on RNA splicing suggest that this variant is not likely to affect RNA splicing. In summary, the available evidence is currently insufficient to determine the role of this variant in disease. Therefore, it has been classified as a Variant of Uncertain Significance.

Literature cited by the submitters: PubMed 17576681; PubMed 9536098.

NM_014297.5(ETHE1):c.712+6C>A

Gene: ETHE1 (ETHE1 persulfide dioxygenase; minus strand). Cytogenetic location: 19q13.31.
Variant type: single nucleotide variant.
Coding change: c.712+6C>A on transcript NM_014297.5 (MANE Select); 6 bases into the intron after coding-DNA position 712, C replaced by A.
Molecular consequence: intron variant.
Genome position (GRCh38, 1-based): chr19:43,507,938, G>T on the plus strand (C>A on the coding strand, the complement: ETHE1 is on the minus strand). VCF-style: chr19-43507938-G-T. GRCh37 (hg19) VCF-style: chr19-44012090-G-T.
Other names: c.418+6C>A (NM_001320869.2); c.343+6C>A (NM_001320868.2); c.679+6C>A (NM_001320867.2).
Identifiers: ClinVar variation 581157 (VCV000581157.8), dbSNP rs1568491262, ClinGen allele CA406174811.